The following is an entry in ClinVar:

ClinVar aggregate classification (germline): Uncertain significance (1 of 4 stars; one submission).

Conditions:
Polycystic kidney disease, adult type (PKD1). Also called: Polycystic Kidney Disease 1, Autosomal Dominant; Polycystic kidney disease 1; Polycystic kidney disease 1, severe; Polycystic Kidney, Autosomal Dominant; POLYCYSTIC KIDNEY DISEASE 1 WITH OR WITHOUT POLYCYSTIC LIVER DISEASE; POLYCYSTIC KIDNEY DISEASE, ADULT, TYPE I. Identifiers: MedGen C3149841, MONDO:0008263, OMIM 173900.

Submission:

Victorian Clinical Genetics Services, Murdoch Childrens Research Institute
Classification: Uncertain significance for Polycystic kidney disease, adult type. Last evaluated: 2020-05-25. Review status: criteria provided, single submitter. Criteria: ACMG Guidelines, 2015. Collection method: clinical testing. Allele origin: germline. Inheritance: Autosomal dominant inheritance.
Comment: Based on the classification scheme VCGS_Germline_v1.1.1, this variant is classified as 3B - VUS. Following criteria are met: 0102 - Loss-of-function is a known mechanism of disease for this gene. (N) 0107 - This gene is known to be associated with autosomal dominant disease. (N) 0216 - In-frame deletion in a non-repetitive region that has moderate conservation (Exon 43). (P) 0251 - Variant is heterozygous. (N) 0301 - Variant is absent from gnomAD. (P) 0600 - Variant is located in an annotated domain or motif (Polycystin cation channel; PDB) (N) 0708 - Comparable variant have previously been reported with uncertain significance, p.(Phe3996_Val4000del) (ClinVar) (N) 0807 - Variant has not previously been reported in a clinical context. (N) 0905 - No segregation evidence has been identified for this variant. (N) 1007 - No published functional evidence has been identified for this variant.

NM_001009944.3(PKD1):c.11988_11996del (p.Phe3996_Leu3998del)

Gene: PKD1 (polycystin 1, transient receptor potential channel interacting; minus strand). Cytogenetic location: 16p13.3.
Variant type: Deletion.
Coding change: c.11988_11996del on transcript NM_001009944.3 (MANE Select); coding-DNA positions 11988 to 11996, 9 bases deleted (CCTGCTTTT; older notation c.11988_11996delCCTGCTTTT).
Protein change: p.Phe3996_Leu3998del.
Molecular consequence: inframe deletion. On other transcripts: inframe indel (1).
Genome position (GRCh38, 1-based): chr16:2,090,891-2,090,899, AAAAGCAGG deleted on the plus strand (CCTGCTTTT on the coding strand, the reverse complement: PKD1 is on the minus strand); deleting any 9 consecutive bases within chr16:2,090,891-2,090,901 gives the same sequence; the c. name uses the placement nearest the transcript's 3' end. VCF-style (leftmost placement, unchanged base first): chr16-2090890-CAAAAGCAGG-C. GRCh37 (hg19) VCF-style: chr16-2140891-CAAAAGCAGG-C.
Other names: c.11988_11996delCCTGCTTTT (NM_001009944.2); c.11985_11993del, p.Phe3995_Leu3997del (NM_000296.4).
Identifiers: ClinVar variation 1805366 (VCV001805366.1), dbSNP rs2544596360, ClinGen allele CA915940278.
Genomic context (GRCh38, chr16:2,090,890, plus strand): 5'-GCTTGCAGCCCTGGGGTGTGCGCCCAGCCCCGCGCCCACCGGCCCAGCCCTCACCTTGAC[CAAAAGCAGG>C]AAGAGCAGCGAGGCCGCCAGGCCACGGGCTGCGGAGCTCAGCTGCGCCACCTGGTCGAAG-3'